The following is an entry in ClinVar:

NM_033310.3(KCNK4):c.394G>C (p.Gly132Arg)

Genes: KCNK4 (potassium two pore domain channel subfamily K member 4; plus strand), KCNK4-CATSPERZ (KCNK4-CATSPERZ readthrough (NMD candidate); plus strand). Cytogenetic location: 11q13.1.
Variant type: single nucleotide variant.
Coding change: c.394G>C on transcript NM_033310.3 (MANE Select); coding-DNA position 394, G replaced by C.
Protein change: p.Gly132Arg; replaces glycine 132 with arginine.
Molecular consequence: missense variant. On other transcripts: non-coding transcript variant (3).
Genome position (GRCh38, 1-based): chr11:64,297,199, G>C. VCF-style: chr11-64297199-G-C. GRCh37 (hg19) VCF-style: chr11-64064671-G-C.
Other names: c.394G>C, p.Gly132Arg (NM_001317090.2); short protein forms G132R.
Identifiers: ClinVar variation 1387112 (VCV001387112.8), dbSNP rs2135231795, ClinGen allele CA381164397.

ClinVar aggregate classification (germline): Uncertain significance (1 of 4 stars; one submission).

Submission:

Labcorp Genetics (formerly Invitae), Labcorp
Classification: Uncertain significance. Last evaluated: 2022-02-04. Review status: criteria provided, single submitter. Criteria: Invitae Variant Classification Sherloc (09022015). Collection method: clinical testing. Allele origin: germline.
Comment: This sequence change replaces glycine, which is neutral and non-polar, with arginine, which is basic and polar, at codon 132 of the KCNK4 protein (p.Gly132Arg). This variant is not present in population databases (gnomAD no frequency). This variant has not been reported in the literature in individuals affected with KCNK4-related conditions. Algorithms developed to predict the effect of missense changes on protein structure and function are either unavailable or do not agree on the potential impact of this missense change (SIFT: "Not Available"; PolyPhen-2: "Probably Damaging"; Align-GVGD: "Not Available"). In summary, the available evidence is currently insufficient to determine the role of this variant in disease. Therefore, it has been classified as a Variant of Uncertain Significance.